The following is an entry in ClinVar:

ClinVar aggregate classification (germline): Likely benign. Review status: criteria provided, single submitter (1 of 4 stars). 2 submissions from 2 submitters: Likely benign (1). 1 of the submissions does not count toward it. Last evaluated 2025-12-19.

Conditions:
SLC6A5-related disorder. Also called: SLC6A5-related condition.
Hyperekplexia 3 (HKPX3). Also called: HYPEREKPLEXIA 3, AUTOSOMAL RECESSIVE; HYPEREKPLEXIA 3, AUTOSOMAL DOMINANT. Identifiers: Orphanet 3197, MedGen C3553288, MONDO:0013827, OMIM 614618.

Allele frequency attached by ClinVar (database versions not stated): gnomAD exomes below 0.00001.
gnomAD v4.1: 3 of 1,614,138 alleles (0.00019%); highest among the groups gnomAD compares: Non-Finnish European, 0.00025%; no homozygotes.

Submissions (2):

Labcorp Genetics (formerly Invitae), Labcorp
Classification: Likely benign for Hyperekplexia 3. Last evaluated: 2025-12-19. Review status: criteria provided, single submitter. Criteria: Invitae Variant Classification Sherloc (09022015). Collection method: clinical testing. Allele origin: germline.

PreventionGenetics, part of Exact Sciences
Classification: Likely benign for SLC6A5-related condition. Last evaluated: 2021-04-09. Review status: no assertion criteria provided. Collection method: clinical testing. Allele origin: germline. Not counted in ClinVar's aggregate classification.
Comment: This variant is classified as likely benign based on ACMG/AMP sequence variant interpretation guidelines (Richards et al. 2015 PMID: 25741868, with internal and published modifications).

NM_004211.5(SLC6A5):c.2310C>T (p.Tyr770=)

Gene: SLC6A5 (solute carrier family 6 member 5; plus strand). Cytogenetic location: 11p15.1.
Variant type: single nucleotide variant.
Coding change: c.2310C>T on transcript NM_004211.5 (MANE Select); coding-DNA position 2310, C replaced by T.
Protein change: p.Tyr770=; no amino-acid change (tyrosine 770 retained).
Molecular consequence: synonymous variant.
Genome position (GRCh38, 1-based): chr11:20,654,784, C>T. VCF-style: chr11-20654784-C-T. GRCh37 (hg19) VCF-style: chr11-20676330-C-T.
Other names: c.1608C>T, p.Tyr536= (NM_001318369.2).
Identifiers: ClinVar variation 3031135 (VCV003031135.4), dbSNP rs2494203064, ClinGen allele CA473401726.